The following is an entry in ClinVar:

NM_000478.6(ALPL):c.297G>C (p.Lys99Asn)

Gene: ALPL (alkaline phosphatase, biomineralization associated; plus strand). Cytogenetic location: 1p36.12.
Variant type: single nucleotide variant.
Coding change: c.297G>C on transcript NM_000478.6 (MANE Select); coding-DNA position 297, G replaced by C.
Protein change: p.Lys99Asn; replaces lysine 99 with asparagine.
Molecular consequence: missense variant. On other transcripts: intron variant (1).
Genome position (GRCh38, 1-based): chr1:21,561,212, G>C. VCF-style: chr1-21561212-G-C. GRCh37 (hg19) VCF-style: chr1-21887705-G-C.
Other names: c.132G>C, p.Lys44Asn (NM_001127501.4); c.297G>C, p.Lys99Asn (NM_001369803.2, NM_001369804.2, NM_001369805.2); c.66+467G>C (NM_001177520.3); short protein forms K44N, K99N.
Identifiers: ClinVar variation 4086924 (VCV004086924.2).
Genomic context (GRCh38, chr1:21,561,212, plus strand): 5'-CAACCCTGGGGAGGAGACCAGGCTGGAGATGGACAAGTTCCCCTTCGTGGCCCTCTCCAA[G>C]GTGAGCCCCATCCCCAAGCCCAGTTCAGGTCTGTATATCCAGTATCCAGGTCGAGCATCT-3'
Protein context (NP_000469.3, residues 89-109): MDKFPFVALS[Lys99Asn]TYNTNAQVPD

ClinVar aggregate classification (germline): Uncertain significance (1 of 4 stars; one submission).

Conditions:
Hypophosphatasia. Also called: Phosphoethanol-aminuria. Identifiers: Orphanet 436, MedGen C0020630, MeSH D007014, MONDO:0018570.

Submission:

Genomenon, Inc
Classification: Uncertain significance for Hypophosphatasia. Last evaluated: 2026-09-01. Review status: criteria provided, single submitter. Criteria: Genomenon Sequence Variant Interpretation Standards - Updated. Collection method: curation. Allele origin: germline. Affected: yes.
Comment: ALPL p.Lys99Asn (c.297G>C) is a missense variant that changes the amino acid at codon 99 from Lysine to Asparagine. This variant has been observed in at least one proband affected with an ALPL-related disorder (PMID:28436937). It is absent or not present at a significant frequency in gnomAD. In silico models predict that this variant is possibly or probably damaging. In conclusion, we classify ALPL p.Lys99Asn (c.297G>C) as a variant of uncertain significance.

Literature cited by the submitters: PubMed 28436937.